The following is an entry in ClinVar:

ClinVar aggregate classification (germline): Likely benign. Review status: criteria provided, multiple submitters, no conflicts (2 of 4 stars). 4 submissions from 4 submitters: Likely benign (3). 1 of the submissions does not count toward it. Last evaluated 2026-01-26.

Conditions:
Agammaglobulinemia 6, autosomal recessive (AGM6). Also called: AGAMMAGLOBULINEMIA, AUTOSOMAL RECESSIVE, DUE TO CD79B DEFECT; AGAMMAGLOBULINEMIA 6. Identifiers: MedGen C3150207, MONDO:0012987, OMIM 612692.
CD79B-related disorder. Also called: CD79B-related condition.

Allele frequency attached by ClinVar (database versions not stated): TOPMed 0.00094; gnomAD 0.00100 and 0.00106; ESP Exome Variant Server 0.00131; ExAC 0.00020; 1000 Genomes Project 30x 0.00031; 1000 Genomes Project 0.00040.
gnomAD v4.1: 320 of 1,612,522 alleles (0.02%); highest among the groups gnomAD compares: African/African-American, 0.32%; no homozygotes.

Submissions (4):

Labcorp Genetics (formerly Invitae), Labcorp
Classification: Likely benign for Agammaglobulinemia 6, autosomal recessive. Last evaluated: 2026-01-26. Review status: criteria provided, single submitter. Criteria: Invitae Variant Classification Sherloc (09022015). Collection method: clinical testing. Allele origin: germline.

Blueprint Genetics
Classification: Likely benign. Last evaluated: 2024-08-28. Review status: criteria provided, single submitter. Criteria: ACMG Guidelines, 2015. Collection method: clinical testing. Allele origin: germline.

Breakthrough Genomics
Classification: Likely benign. Review status: criteria provided, single submitter. Criteria: ACMG Guidelines, 2015. Collection method: not provided. Allele origin: germline. Inheritance: Autosomal recessive inheritance. Affected: yes.

PreventionGenetics, part of Exact Sciences
Classification: Likely benign for CD79B-related condition. Last evaluated: 2024-08-26. Review status: no assertion criteria provided. Collection method: clinical testing. Allele origin: germline. Not counted in ClinVar's aggregate classification.
Comment: This variant is classified as likely benign based on ACMG/AMP sequence variant interpretation guidelines (Richards et al. 2015 PMID: 25741868, with internal and published modifications).

NM_000626.4(CD79B):c.67+10C>A

Genes: CD79B (CD79b molecule; minus strand), GH-LCR (growth hormone locus control region; plus strand). Cytogenetic location: 17q23.3.
Variant type: single nucleotide variant.
Coding change: c.67+10C>A on transcript NM_000626.4 (MANE Select); 10 bases into the intron after coding-DNA position 67, C replaced by A.
Molecular consequence: intron variant.
Genome position (GRCh38, 1-based): chr17:63,932,185, G>T on the plus strand (C>A on the coding strand, the complement: CD79B is on the minus strand). VCF-style: chr17-63932185-G-T. GRCh37 (hg19) VCF-style: chr17-62009545-G-T.
Other names: c.67+10C>A (NM_021602.4, NM_001329050.2, NM_001039933.3).
Identifiers: ClinVar variation 716205 (VCV000716205.15), dbSNP rs112931479, ClinGen allele CA8708688.